The following is an entry in ClinVar:

ClinVar aggregate classification (germline): Uncertain significance (1 of 4 stars; one submission).

gnomAD v4.1: 2 of 1,613,724 alleles (0.00012%); highest among the groups gnomAD compares: Non-Finnish European, 0.00017%; no homozygotes.

Submission:

Labcorp Genetics (formerly Invitae), Labcorp
Classification: Uncertain significance. Last evaluated: 2024-08-08. Review status: criteria provided, single submitter. Criteria: Invitae Variant Classification Sherloc (09022015). Collection method: clinical testing. Allele origin: germline.
Comment: This sequence change replaces glutamine, which is neutral and polar, with histidine, which is basic and polar, at codon 903 of the COL18A1 protein (p.Gln903His). This variant is not present in population databases (gnomAD no frequency). This variant has not been reported in the literature in individuals affected with COL18A1-related conditions. An algorithm developed to predict the effect of missense changes on protein structure and function outputs the following: PolyPhen-2: "Not Available". The histidine amino acid residue is found in multiple mammalian species, which suggests that this missense change does not adversely affect protein function. In summary, the available evidence is currently insufficient to determine the role of this variant in disease. Therefore, it has been classified as a Variant of Uncertain Significance.

NM_001379500.1(COL18A1):c.2709G>C (p.Gln903His)

Genes: COL18A1 (collagen type XVIII alpha 1 chain; plus strand), SLC19A1 (solute carrier family 19 member 1; minus strand). Cytogenetic location: 21q22.3.
Variant type: single nucleotide variant.
Coding change: c.2709G>C on transcript NM_001379500.1 (MANE Select); coding-DNA position 2709, G replaced by C.
Protein change: p.Gln903His; replaces glutamine 903 with histidine.
Molecular consequence: missense variant.
Genome position (GRCh38, 1-based): chr21:45,504,036, G>C. VCF-style: chr21-45504036-G-C. GRCh37 (hg19) VCF-style: chr21-46923950-G-C.
Other names: c.3249G>C, p.Gln1083His (NM_030582.4); c.3954G>C, p.Gln1318His (NM_130444.3); short protein forms Q1083H, Q1318H, Q903H.
Identifiers: ClinVar variation 3604118 (VCV003604118.2).
Genomic context (GRCh38, chr21:45,504,036, plus strand): 5'-ACCTCAGCGAGACCCCGCCTGTCTCTCTCTTGCAGGGCAGTTTCCGTTTGACTTTCTTCA[G>C]TTGGAGGCTGAAATGAAGGTGGGTGACCTCCCTGTGGGGTTGGGGGCCCCCAAGGTCCTG-3'
Protein context (NP_001366429.1, residues 893-913): PPGQFPFDFL[Gln903His]LEAEMKGEKG